The following is an entry in ClinVar:

ClinVar aggregate classification (germline): Uncertain significance. Review status: criteria provided, multiple submitters, no conflicts (2 of 4 stars). 2 submissions from 2 submitters: Uncertain significance (2). Last evaluated 2024-02-23.

Conditions:
Ehlers-Danlos syndrome, classic type, 1 (EDSCL1). Also called: Ehlers-Danlos syndrome, type 1; EHLERS-DANLOS SYNDROME, GRAVIS TYPE; EHLERS-DANLOS SYNDROME, SEVERE CLASSIC TYPE; Ehlers-Danlos Syndrome, Classic Type, COL5A1-Related; EDS I. Identifiers: MedGen C0268335, MONDO:0019567, OMIM 130000.

Submissions (2):

Labcorp Genetics (formerly Invitae), Labcorp
Classification: Uncertain significance for Ehlers-Danlos syndrome, classic type, 1. Last evaluated: 2024-02-23. Review status: criteria provided, single submitter. Criteria: Invitae Variant Classification Sherloc (09022015). Collection method: clinical testing. Allele origin: germline.
Comment: This sequence change replaces glutamic acid, which is acidic and polar, with lysine, which is basic and polar, at codon 812 of the COL5A1 protein (p.Glu812Lys). This variant is not present in population databases (gnomAD no frequency). This missense change has been observed in individual(s) with clinical features of COL5A1-related conditions (Invitae). ClinVar contains an entry for this variant (Variation ID: 547057). Advanced modeling of protein sequence and biophysical properties (such as structural, functional, and spatial information, amino acid conservation, physicochemical variation, residue mobility, and thermodynamic stability) has been performed at Invitae for this missense variant, however the output from this modeling did not meet the statistical confidence thresholds required to predict the impact of this variant on COL5A1 protein function. Algorithms developed to predict the effect of sequence changes on RNA splicing suggest that this variant may disrupt the consensus splice site. This variant disrupts the p.Glu812 amino acid residue in COL5A1. Other variant(s) that disrupt this residue have been observed in individuals with COL5A1-related conditions (PMID: 23587214), which suggests that this may be a clinically significant amino acid residue. In summary, the available evidence is currently insufficient to determine the role of this variant in disease. Therefore, it has been classified as a Variant of Uncertain Significance.

CeGaT Center for Human Genetics Tuebingen
Classification: Uncertain significance. Last evaluated: 2018-01-01. Review status: criteria provided, single submitter. Criteria: CeGaT Center For Human Genetics Tuebingen Variant Classification Criteria Version 2. Collection method: clinical testing. Allele origin: germline. Affected: yes. Observed: 1 variant allele.

Literature cited by the submitters: PubMed 23587214 (cited by Labcorp Genetics (formerly Invitae), Labcorp).

NM_000093.5(COL5A1):c.2434G>A (p.Glu812Lys)

Gene: COL5A1 (collagen type V alpha 1 chain; plus strand). Cytogenetic location: 9q34.3.
Variant type: single nucleotide variant.
Coding change: c.2434G>A on transcript NM_000093.5 (MANE Select); coding-DNA position 2434, G replaced by A.
Protein change: p.Glu812Lys; replaces glutamic acid 812 with lysine.
Molecular consequence: missense variant.
Genome position (GRCh38, 1-based): chr9:134,782,670, G>A. VCF-style: chr9-134782670-G-A. GRCh37 (hg19) VCF-style: chr9-137674516-G-A.
Other names: c.2434G>A, p.Glu812Lys (NM_001278074.1); short protein forms E812K.
Identifiers: ClinVar variation 547057 (VCV000547057.50), dbSNP rs1554798924, ClinGen allele CA375453928.